The following is an entry in ClinVar:

ClinVar aggregate classification (germline): Likely benign. Review status: criteria provided, multiple submitters, no conflicts (2 of 4 stars). 3 submissions from 3 submitters: Likely benign (3). Last evaluated 2018-02-08.

Conditions:
Hereditary cancer-predisposing syndrome. Also called: Neoplastic Syndromes, Hereditary; Hereditary Cancer Syndrome; Tumor predisposition; Hereditary neoplastic syndrome. Identifiers: Orphanet 140162, MedGen C0027672, MeSH D009386, MONDO:0015356.
Ataxia-telangiectasia syndrome (AT). Also called: LOUIS-BAR SYNDROME; Cerebello-oculocutaneous telangiectasia; Immunodeficiency with ataxia telangiectasia; Ataxia-telangiectasia, complementation group D; AT, COMPLEMENTATION GROUP C; Ataxia-telangiectasia, complementation group E. Identifiers: Orphanet 100, MedGen C0004135, MONDO:0008840, OMIM 208900.

Allele frequency attached by ClinVar (database versions not stated): gnomAD exomes below 0.00001.
gnomAD v4.1: 1 of 1,614,154 alleles (0.000062%); highest among the groups gnomAD compares: East Asian, 0.0022%; no homozygotes.

Submissions (3):

Labcorp Genetics (formerly Invitae), Labcorp
Classification: Likely benign for Ataxia-telangiectasia syndrome. Last evaluated: 2018-02-08. Review status: criteria provided, single submitter. Criteria: Invitae Variant Classification Sherloc (09022015). Collection method: clinical testing. Allele origin: germline.

GeneDx
Classification: Likely benign. Last evaluated: 2017-11-13. Review status: criteria provided, single submitter. Criteria: GeneDx Variant Classification (06012015). Collection method: clinical testing. Allele origin: germline. Affected: yes.
Comment: This variant is considered likely benign or benign based on one or more of the following criteria: it is a conservative change, it occurs at a poorly conserved position in the protein, it is predicted to be benign by multiple in silico algorithms, and/or has population frequency not consistent with disease.

Ambry Genetics
Classification: Likely benign for Hereditary cancer-predisposing syndrome. Last evaluated: 2017-05-25. Review status: criteria provided, single submitter. Criteria: Ambry Variant Classification Scheme 2023. Collection method: clinical testing. Allele origin: germline.

NM_000051.4(ATM):c.9153A>C (p.Gly3051=)

Genes: ATM (ATM serine/threonine kinase; plus strand), C11orf65 (chromosome 11 open reading frame 65; minus strand). Cytogenetic location: 11q22.3.
Variant type: single nucleotide variant.
Coding change: c.9153A>C on transcript NM_000051.4 (MANE Select); coding-DNA position 9153, A replaced by C.
Protein change: p.Gly3051=; no amino-acid change (glycine 3051 retained).
Molecular consequence: synonymous variant. On other transcripts: intron variant (2).
Genome position (GRCh38, 1-based): chr11:108,365,490, A>C. VCF-style: chr11-108365490-A-C. GRCh37 (hg19) VCF-style: chr11-108236217-A-C.
Other names: c.9153A>C, p.Gly3051= (NM_001351834.2); c.640+20430T>G (NM_001330368.2); c.694+20430T>G (NM_001351110.2).
Identifiers: ClinVar variation 479100 (VCV000479100.14), dbSNP rs1555152080, ClinGen allele CA476745316.